The following is an entry in ClinVar:

NM_004370.6(COL12A1):c.8033G>A (p.Gly2678Glu)

Gene: COL12A1 (collagen type XII alpha 1 chain; minus strand). Cytogenetic location: 6q13.
Variant type: single nucleotide variant.
Coding change: c.8033G>A on transcript NM_004370.6 (MANE Select); coding-DNA position 8033, G replaced by A.
Protein change: p.Gly2678Glu; replaces glycine 2678 with glutamic acid.
Molecular consequence: missense variant.
Genome position (GRCh38, 1-based): chr6:75,109,085, C>T on the plus strand (G>A on the coding strand, the complement: COL12A1 is on the minus strand). VCF-style: chr6-75109085-C-T. GRCh37 (hg19) VCF-style: chr6-75818801-C-T.
Other names: c.8033G>A (NM_004370.5); c.4541G>A, p.Gly1514Glu (NM_080645.3); short protein forms G2678E, G1514E.
Identifiers: ClinVar variation 2080542 (VCV002080542.6), dbSNP rs1388088232, ClinGen allele CA364741598.
Genomic context (GRCh38, chr6:75,109,085, plus strand): 5'-GATTTCCTTTCCCCTTTAAGGAGTTTTCCAAGAATTTCATAACCATCAGTTGTTATATTT[C>T]CAGCTTCCTTGATGTCTTTTTCTATAATTTCATAGCAGTCAATGTAAATCTTAACACTTT-3'
Protein context (NP_004361.3, residues 2668-2688): EIIEKDIKEA[Gly2678Glu]NITTDGYEIL

ClinVar aggregate classification (germline): Uncertain significance. Review status: criteria provided, multiple submitters, no conflicts (2 of 4 stars). 2 submissions from 2 submitters: Uncertain significance (2). Last evaluated 2023-09-10.

Conditions:
Inborn genetic diseases. Identifiers: MedGen C0950123, MeSH D030342.
Ullrich congenital muscular dystrophy 2 (UCMD2). Identifiers: Orphanet 75840, MedGen C4225314, MONDO:0014654, OMIM 616470.
Bethlem myopathy 2 (BTHLM2). Identifiers: Orphanet 536516, Orphanet 610, MedGen C4225313, MONDO:0034022, OMIM 616471.

Allele frequency attached by ClinVar (database versions not stated): gnomAD 0.00001.
gnomAD v4.1: 6 of 1,611,992 alleles (0.00037%); highest among the groups gnomAD compares: African/African-American, 0.0027%; no homozygotes.

Submissions (2):

Labcorp Genetics (formerly Invitae), Labcorp
Classification: Uncertain significance for Bethlem myopathy 2; Ullrich congenital muscular dystrophy 2. Last evaluated: 2023-09-10. Review status: criteria provided, single submitter. Criteria: Invitae Variant Classification Sherloc (09022015). Collection method: clinical testing. Allele origin: germline.
Comment: In summary, the available evidence is currently insufficient to determine the role of this variant in disease. Therefore, it has been classified as a Variant of Uncertain Significance. Advanced modeling of protein sequence and biophysical properties (such as structural, functional, and spatial information, amino acid conservation, physicochemical variation, residue mobility, and thermodynamic stability) performed at Invitae indicates that this missense variant is not expected to disrupt COL12A1 protein function. ClinVar contains an entry for this variant (Variation ID: 2080542). This variant has not been reported in the literature in individuals affected with COL12A1-related conditions. This variant is present in population databases (no rsID available, gnomAD 0.002%). This sequence change replaces glycine, which is neutral and non-polar, with glutamic acid, which is acidic and polar, at codon 2678 of the COL12A1 protein (p.Gly2678Glu).

Ambry Genetics
Classification: Uncertain significance for Inborn genetic diseases. Last evaluated: 2023-08-02. Review status: criteria provided, single submitter. Criteria: Ambry Variant Classification Scheme 2023. Collection method: clinical testing. Allele origin: germline.